The following is an entry in ClinVar:

NM_182961.4(SYNE1):c.6524T>C (p.Val2175Ala)

Gene: SYNE1 (spectrin repeat containing nuclear envelope protein 1; minus strand). Cytogenetic location: 6q25.2.
Variant type: single nucleotide variant.
Coding change: c.6524T>C on transcript NM_182961.4 (MANE Select); coding-DNA position 6524, T replaced by C.
Protein change: p.Val2175Ala; replaces valine 2175 with alanine.
Molecular consequence: missense variant.
Genome position (GRCh38, 1-based): chr6:152,409,084, A>G on the plus strand (T>C on the coding strand, the complement: SYNE1 is on the minus strand). VCF-style: chr6-152409084-A-G. GRCh37 (hg19) VCF-style: chr6-152730219-A-G.
Other names: c.6545T>C, p.Val2182Ala (NM_033071.5); short protein forms V2182A, V2175A.
Identifiers: ClinVar variation 290336 (VCV000290336.11), dbSNP rs376472102, ClinGen allele CA4058053.

ClinVar aggregate classification (germline): Uncertain significance. Review status: criteria provided, multiple submitters, no conflicts (2 of 4 stars). 2 submissions from 2 submitters: Uncertain significance (2). Last evaluated 2021-08-24.

Conditions:
Autosomal recessive ataxia, Beauce type. Also called: Spinocerebellar ataxia, autosomal recessive 8; ATAXIA, RECESSIVE, OF BEAUCE; SYNE1 Deficiency; SYNE1-Related Autosomal Recessive Cerebellar Ataxia. Identifiers: Orphanet 88644, MedGen C1853116, MONDO:0012549, OMIM 610743.
Emery-Dreifuss muscular dystrophy 4, autosomal dominant (EDMD4). Also called: EMERY-DREIFUSS MUSCULAR DYSTROPHY 4 WITH VARIABLE FEATURES. Identifiers: Orphanet 261, MedGen C2751807, MONDO:0013071, OMIM 612998.

Allele frequency attached by ClinVar (database versions not stated): gnomAD exomes below 0.00001 and 0.00001; ExAC 0.00001; gnomAD 0.00001; TOPMed 0.00001; ESP Exome Variant Server 0.00008.
gnomAD v4.1: 5 of 1,614,024 alleles (0.00031%); highest among the groups gnomAD compares: African/African-American, 0.0013%; no homozygotes.

Submissions (2):

Labcorp Genetics (formerly Invitae), Labcorp
Classification: Uncertain significance for Emery-Dreifuss muscular dystrophy 4, autosomal dominant; Autosomal recessive ataxia, Beauce type. Last evaluated: 2021-08-24. Review status: criteria provided, single submitter. Criteria: Invitae Variant Classification Sherloc (09022015). Collection method: clinical testing. Allele origin: germline.
Comment: This sequence change replaces valine with alanine at codon 2182 of the SYNE1 protein (p.Val2182Ala). The valine residue is highly conserved and there is a small physicochemical difference between valine and alanine. This variant is present in population databases (rs376472102, ExAC 0.001%). This variant has not been reported in the literature in individuals affected with SYNE1-related conditions. ClinVar contains an entry for this variant (Variation ID: 290336). Algorithms developed to predict the effect of missense changes on protein structure and function are either unavailable or do not agree on the potential impact of this missense change (SIFT: "Deleterious"; PolyPhen-2: "Benign"; Align-GVGD: "Class C25"). In summary, the available evidence is currently insufficient to determine the role of this variant in disease. Therefore, it has been classified as a Variant of Uncertain Significance.

Eurofins Ntd Llc (ga)
Classification: Uncertain significance. Last evaluated: 2016-09-14. Review status: criteria provided, single submitter. Criteria: EGL Classification Definitions 2015. Collection method: clinical testing. Allele origin: germline. Observed: 1 variant allele, 1 heterozygote.